The following is an entry in ClinVar:

NM_000489.6(ATRX):c.6825G>A (p.Trp2275Ter)

Gene: ATRX (ATRX chromatin remodeler; minus strand). Cytogenetic location: Xq21.1.
Variant type: single nucleotide variant.
Coding change: c.6825G>A on transcript NM_000489.6 (MANE Select); coding-DNA position 6825, G replaced by A.
Protein change: p.Trp2275Ter; replaces tryptophan 2275 with a stop codon.
Molecular consequence: nonsense.
Genome position (GRCh38, 1-based): chrX:77,523,276, C>T on the plus strand (G>A on the coding strand, the complement: ATRX is on the minus strand). VCF-style: chrX-77523276-C-T. GRCh37 (hg19) VCF-style: chrX-76778754-C-T.
Other names: c.6711G>A, p.Trp2237Ter (NM_138270.5); short protein forms W2237*, W2275*.
Identifiers: ClinVar variation 4818458 (VCV004818458.1).

ClinVar aggregate classification (germline): Likely pathogenic (1 of 4 stars; one submission).

Conditions:
Alpha thalassemia-X-linked intellectual disability syndrome (ATRX). Also called: ALPHA-THALASSEMIA/MENTAL RETARDATION SYNDROME, X-LINKED; ATR, NONDELETION TYPE; ATR-X syndrome; Alpha thalassemia mental retardation syndrome, nondeletion type, X-linked; XLMR hypotonic face syndrome; X-linked alpha-thalassemia-mental retardation syndrome. Identifiers: Orphanet 847, MedGen C1845055, MONDO:0010519, OMIM 301040.

Submission:

Natera, Inc.
Classification: Likely pathogenic for X-linked alpha-thalassemia-mental retardation syndrome. Last evaluated: 2024-09-12. Review status: criteria provided, single submitter. Criteria: Natera Variant Classification Schema (03/2026). Collection method: clinical testing. Allele origin: germline.
Comment: The c.6825G>A variant in ATRX is a nonsense variant predicted to introduce a stop codon at amino acid 2275. This variant is expected to result in nonsense mediated decay, truncation, or a dysfunctional protein product. This variant is rare in the general population with a frequency below the threshold expected for the associated phenotype(s). Given the available evidence, this variant is classified as Likely Pathogenic.